The following is an entry in ClinVar:

ClinVar aggregate classification (germline): Uncertain significance (1 of 4 stars; one submission).

Conditions:
Epidermolysis bullosa simplex 5B, with muscular dystrophy (EBS5B). Also called: Epidermolysis bullosa simplex with muscular dystrophy; EPIDERMOLYSIS BULLOSA SIMPLEX AND LIMB-GIRDLE MUSCULAR DYSTROPHY. Identifiers: Orphanet 257, MedGen C2931072, MONDO:0009181, OMIM 226670.
Epidermolysis bullosa simplex 5C, with pyloric atresia (EBS5C). Also called: Epidermolysis bullosa simplex with pyloric atresia; PLEC-Related Epidermolysis Bullosa with Pyloric Atresia; PLEC1-Related Epidermolysis Bullosa with Pyloric Atresia. Identifiers: Orphanet 158684, MedGen C2677349, MONDO:0012807, OMIM 612138.
Epidermolysis bullosa simplex, Ogna type (EBS5A). Also called: Pidermolysis bullosa simplex 5A, Ogna type; EPIDERMOLYSIS BULLOSA SIMPLEX 5A, OGNA TYPE. Identifiers: Orphanet 79401, MedGen C0432317, MONDO:0007555, OMIM 131950.
Autosomal recessive limb-girdle muscular dystrophy type 2Q (LGMDR17). Also called: MUSCULAR DYSTROPHY, LIMB-GIRDLE, AUTOSOMAL RECESSIVE 17. Identifiers: Orphanet 254361, MedGen C3150989, MONDO:0013390, OMIM 613723.
Epidermolysis bullosa simplex with nail dystrophy (EBS5D). Identifiers: MedGen C4225309, MONDO:0014661, OMIM 616487.

gnomAD v4.1: 4 of 1,613,136 alleles (0.00025%); highest among the groups gnomAD compares: Non-Finnish European, 0.00034%; no homozygotes.

Submission:

Labcorp Genetics (formerly Invitae), Labcorp
Classification: Uncertain significance for Autosomal recessive limb-girdle muscular dystrophy type 2Q; Epidermolysis bullosa simplex, Ogna type; Epidermolysis bullosa simplex with nail dystrophy; Epidermolysis bullosa simplex 5C, with pyloric atresia; Epidermolysis bullosa simplex 5B, with muscular dystrophy. Last evaluated: 2020-08-14. Review status: criteria provided, single submitter. Criteria: Invitae Variant Classification Sherloc (09022015). Collection method: clinical testing. Allele origin: germline.
Comment: This variant is present in population databases (rs782444749, ExAC 0.002%). This variant has not been reported in the literature in individuals with PLEC-related conditions. Algorithms developed to predict the effect of missense changes on protein structure and function are either unavailable or do not agree on the potential impact of this missense change (SIFT: "Deleterious"; PolyPhen-2: "Not Available"; Align-GVGD: "Class C0"). In summary, the available evidence is currently insufficient to determine the role of this variant in disease. Therefore, it has been classified as a Variant of Uncertain Significance. This sequence change replaces alanine with aspartic acid at codon 1305 of the PLEC protein (p.Ala1305Asp). The alanine residue is highly conserved and there is a moderate physicochemical difference between alanine and aspartic acid.

NM_201384.3(PLEC):c.3833C>A (p.Ala1278Asp)

Gene: PLEC (plectin; minus strand). Cytogenetic location: 8q24.3.
Variant type: single nucleotide variant.
Coding change: c.3833C>A on transcript NM_201384.3 (MANE Select); coding-DNA position 3833, C replaced by A.
Protein change: p.Ala1278Asp; replaces alanine 1278 with aspartic acid.
Molecular consequence: missense variant.
Genome position (GRCh38, 1-based): chr8:143,927,259, G>T on the plus strand (C>A on the coding strand, the complement: PLEC is on the minus strand). VCF-style: chr8-143927259-G-T. GRCh37 (hg19) VCF-style: chr8-145001427-G-T.
Other names: c.3914C>A, p.Ala1305Asp (NM_000445.5); c.3791C>A, p.Ala1264Asp (NM_201378.4); c.3767C>A, p.Ala1256Asp (NM_201379.3); c.4244C>A, p.Ala1415Asp (NM_201380.4); c.3737C>A, p.Ala1246Asp (NM_201381.3); c.3833C>A, p.Ala1278Asp (NM_201382.4); c.3845C>A, p.Ala1282Asp (NM_201383.3); short protein forms A1246D, A1256D, A1264D, A1278D, A1282D, A1305D, A1415D.
Identifiers: ClinVar variation 1053827 (VCV001053827.5), dbSNP rs782444749, ClinGen allele CA4926914.